The following is an entry in ClinVar:

ClinVar aggregate classification (germline): Uncertain significance. Review status: criteria provided, multiple submitters, no conflicts (2 of 4 stars). 3 submissions from 3 submitters: Uncertain significance (3). Last evaluated 2025-04-20.

Conditions:
Inborn genetic diseases. Identifiers: MedGen C0950123, MeSH D030342.

Allele frequency attached by ClinVar (database versions not stated): gnomAD exomes below 0.00001.

Submissions (3):

GeneDx
Classification: Uncertain significance. Last evaluated: 2025-04-20. Review status: criteria provided, single submitter. Criteria: GeneDx Variant Classification Process June 2021. Collection method: clinical testing. Allele origin: germline.
Comment: Not observed at significant frequency in large population cohorts (gnomAD); In silico analysis supports that this missense variant has a deleterious effect on protein structure/function; In silico analysis is inconclusive as to whether the variant alters gene splicing. In the absence of RNA/functional studies, the actual effect of this sequence change is unknown.; Has not been previously published as pathogenic or benign to our knowledge; This variant is associated with the following publications: (PMID: 24438169)

Ambry Genetics
Classification: Uncertain significance for Inborn genetic diseases. Last evaluated: 2023-08-22. Review status: criteria provided, single submitter. Criteria: Ambry Variant Classification Scheme 2023. Collection method: clinical testing. Allele origin: germline.

Eurofins Ntd Llc (ga)
Classification: Uncertain significance. Last evaluated: 2016-01-12. Review status: criteria provided, single submitter. Criteria: EGL Classification Definitions 2015. Collection method: clinical testing. Allele origin: germline. Observed: 1 variant allele, 1 heterozygote.

NM_001130987.2(DYSF):c.1332G>T (p.Lys444Asn)

Gene: DYSF (dysferlin; plus strand). Cytogenetic location: 2p13.2.
Variant type: single nucleotide variant.
Coding change: c.1332G>T on transcript NM_001130987.2 (MANE Select); coding-DNA position 1332, G replaced by T.
Protein change: p.Lys444Asn; replaces lysine 444 with asparagine.
Molecular consequence: missense variant.
Genome position (GRCh38, 1-based): chr2:71,528,353, G>T. VCF-style: chr2-71528353-G-T. GRCh37 (hg19) VCF-style: chr2-71755483-G-T.
Other names: c.1236G>T (NM_003494.3); c.1239G>T, p.Lys413Asn (NM_001130455.2, NM_001130983.2, NM_001130984.2 and 1 more transcripts); c.1236G>T, p.Lys412Asn (NM_001130976.2, NM_001130977.2, NM_001130978.2 and 1 more transcripts); c.1329G>T, p.Lys443Asn (NM_001130979.2, NM_001130980.2, NM_001130981.2); c.1332G>T, p.Lys444Asn (NM_001130982.2, NM_001130985.2); short protein forms K412N, K444N, K413N, K443N.
Identifiers: ClinVar variation 285664 (VCV000285664.9), dbSNP rs886043169, ClinGen allele CA10605196.